The following is an entry in ClinVar:

ClinVar aggregate classification (germline): Likely benign (1 of 4 stars; one submission).

Submission:

Women's Health and Genetics/Laboratory Corporation of America, LabCorp
Classification: Likely benign. Last evaluated: 2026-03-12. Review status: criteria provided, single submitter. Criteria: LabCorp Variant Classification Summary - May 2015. Collection method: clinical testing. Allele origin: germline.
Comment: Variant summary: PKD1 c.850C>T results in a synonymous change. Consensus agreement among computation tools predict no significant impact on normal splicing. However, these predictions have yet to be confirmed by functional studies. The variant was absent in 206230 control chromosomes. The available data on variant occurrences in the general population are insufficient to allow any conclusion about variant significance. To our knowledge, no occurrence of c.850C>T in individuals affected with PKD1-related conditions and no experimental evidence demonstrating its impact on protein function have been reported. No submitters have cited clinical-significance assessments for this variant to ClinVar. Based on the evidence outlined above, the variant was classified as likely benign.

NM_001009944.3(PKD1):c.850C>T (p.Leu284=)

Gene: PKD1 (polycystin 1, transient receptor potential channel interacting; minus strand). Cytogenetic location: 16p13.3.
Variant type: single nucleotide variant.
Coding change: c.850C>T on transcript NM_001009944.3 (MANE Select); coding-DNA position 850, C replaced by T.
Protein change: p.Leu284=; no amino-acid change (leucine 284 retained).
Molecular consequence: synonymous variant.
Genome position (GRCh38, 1-based): chr16:2,118,142, G>A on the plus strand (C>T on the coding strand, the complement: PKD1 is on the minus strand). VCF-style: chr16-2118142-G-A. GRCh37 (hg19) VCF-style: chr16-2168143-G-A.
Other names: c.850C>T, p.Leu284= (NM_000296.4).
Identifiers: ClinVar variation 4847307 (VCV004847307.1).